The following is an entry in ClinVar:

ClinVar aggregate classification (germline): Uncertain significance (1 of 4 stars; one submission).

Submission:

Labcorp Genetics (formerly Invitae), Labcorp
Classification: Uncertain significance. Last evaluated: 2023-10-14. Review status: criteria provided, single submitter. Criteria: Invitae Variant Classification Sherloc (09022015). Collection method: clinical testing. Allele origin: germline.
Comment: This sequence change replaces isoleucine, which is neutral and non-polar, with methionine, which is neutral and non-polar, at codon 255 of the CARD8 protein (p.Ile255Met). This variant is not present in population databases (gnomAD no frequency). This variant has not been reported in the literature in individuals affected with CARD8-related conditions. An algorithm developed to predict the effect of missense changes on protein structure and function (PolyPhen-2) suggests that this variant is likely to be disruptive. In summary, the available evidence is currently insufficient to determine the role of this variant in disease. Therefore, it has been classified as a Variant of Uncertain Significance.

NM_001184900.3(CARD8):c.915C>G (p.Ile305Met)

Gene: CARD8 (caspase recruitment domain family member 8; minus strand). Cytogenetic location: 19q13.33.
Variant type: single nucleotide variant.
Coding change: c.915C>G on transcript NM_001184900.3 (MANE Select); coding-DNA position 915, C replaced by G.
Protein change: p.Ile305Met; replaces isoleucine 305 with methionine.
Molecular consequence: missense variant. On other transcripts: non-coding transcript variant (4).
Genome position (GRCh38, 1-based): chr19:48,230,558, G>C on the plus strand (C>G on the coding strand, the complement: CARD8 is on the minus strand). VCF-style: chr19-48230558-G-C. GRCh37 (hg19) VCF-style: chr19-48733815-G-C.
Other names: c.765C>G, p.Ile255Met (NM_001184901.1, NM_001351783.2, NM_014959.5 and 2 more transcripts); c.915C>G, p.Ile305Met (NM_001184902.2, NM_001184903.1, NM_001351782.2); c.600C>G, p.Ile200Met (NM_001351784.2, NM_001351787.2, NM_001351791.2 and 1 more transcripts); c.579C>G, p.Ile193Met (NM_001351786.2); c.672C>G, p.Ile224Met (NM_001351790.2); c.597C>G, p.Ile199Met (NM_001365950.1); c.90C>G, p.Ile30Met (NM_001426741.1); short protein forms I305M, I30M, I199M, I200M, I255M, I193M, I224M.
Identifiers: ClinVar variation 2902467 (VCV002902467.3), dbSNP rs751550629, ClinGen allele CA406643860.